The following is an entry in ClinVar:

ClinVar aggregate classification (germline): Uncertain significance (1 of 4 stars; one submission).

Submission:

Labcorp Genetics (formerly Invitae), Labcorp
Classification: Uncertain significance. Last evaluated: 2026-01-19. Review status: criteria provided, single submitter. Criteria: Invitae Variant Classification Sherloc (09022015). Collection method: clinical testing. Allele origin: germline.
Comment: This sequence change replaces glutamine, which is neutral and polar, with histidine, which is basic and polar, at codon 434 of the CDH2 protein (p.Gln434His). This variant is not present in population databases (gnomAD no frequency). This variant has not been reported in the literature in individuals affected with CDH2-related conditions. An algorithm developed to predict the effect of missense changes on protein structure and function outputs the following: PolyPhen-2: "Possibly Damaging". The histidine amino acid residue is found in multiple mammalian species, which suggests that this missense change does not adversely affect protein function. In summary, the available evidence is currently insufficient to determine the role of this variant in disease. Therefore, it has been classified as a Variant of Uncertain Significance.

NM_001792.5(CDH2):c.1302G>T (p.Gln434His)

Gene: CDH2 (cadherin 2; minus strand). Cytogenetic location: 18q12.1.
Variant type: single nucleotide variant.
Coding change: c.1302G>T on transcript NM_001792.5 (MANE Select); coding-DNA position 1302, G replaced by T.
Protein change: p.Gln434His; replaces glutamine 434 with histidine.
Molecular consequence: missense variant.
Genome position (GRCh38, 1-based): chr18:27,992,697, C>A on the plus strand (G>T on the coding strand, the complement: CDH2 is on the minus strand). VCF-style: chr18-27992697-C-A. GRCh37 (hg19) VCF-style: chr18-25572661-C-A.
Other names: c.1209G>T, p.Gln403His (NM_001308176.2); short protein forms Q434H, Q403H.
Identifiers: ClinVar variation 4735755 (VCV004735755.1).
Genomic context (GRCh38, chr18:27,992,697, plus strand): 5'-GGCCCGAGGAACACTTACTTTGACCACGGTGACTAACCCGTCGTTGCTGTTTGGGTCGGT[C>A]TGGATGGCGAACCGTCCAGTAGGATCTCCGCCACTGATTCTGTACACTGCGTTCCAGGCT-3'
Protein context (NP_001783.2, residues 424-444): GGDPTGRFAI[Gln434His]TDPNSNDGLV